The following is an entry in ClinVar:

ClinVar aggregate classification (germline): Uncertain significance (1 of 4 stars; one submission).

Conditions:
ITM2B-related disorder. Also called: ITM2B-related condition.

gnomAD v4.1: 12 of 1,604,740 alleles (0.00075%); highest among the groups gnomAD compares: Non-Finnish European, 0.001%; no homozygotes.

Submission:

PreventionGenetics, part of Exact Sciences
Classification: Uncertain significance for ITM2B-related condition. Last evaluated: 2026-05-11. Review status: criteria provided, single submitter. Criteria: ACMG Guidelines, 2015. Collection method: clinical testing. Allele origin: germline.
Comment: The ITM2B c.517A>C variant is predicted to result in the amino acid substitution p.Ile173Leu. To our knowledge, this variant has not been reported in the literature. This variant is reported in 0.00088% of alleles in individuals of European (Non-Finnish) descent in gnomAD. At this time, the clinical significance of this variant is uncertain due to the absence of conclusive functional and genetic evidence.

NM_021999.5(ITM2B):c.517A>C (p.Ile173Leu)

Gene: ITM2B (integral membrane protein 2B; plus strand). Cytogenetic location: 13q14.2.
Variant type: single nucleotide variant.
Coding change: c.517A>C on transcript NM_021999.5 (MANE Select); coding-DNA position 517, A replaced by C.
Protein change: p.Ile173Leu; replaces isoleucine 173 with leucine.
Molecular consequence: missense variant.
Genome position (GRCh38, 1-based): chr13:48,258,189, A>C. VCF-style: chr13-48258189-A-C. GRCh37 (hg19) VCF-style: chr13-48832325-A-C.
Other names: short protein forms I173L.
Identifiers: ClinVar variation 5001670 (VCV005001670.1).